The following is an entry in ClinVar:

NM_002471.4(MYH6):c.4352T>C (p.Phe1451Ser)

Gene: MYH6 (myosin heavy chain 6; minus strand). Cytogenetic location: 14q11.2.
Variant type: single nucleotide variant.
Coding change: c.4352T>C on transcript NM_002471.4 (MANE Select); coding-DNA position 4352, T replaced by C.
Protein change: p.Phe1451Ser; replaces phenylalanine 1451 with serine.
Molecular consequence: missense variant.
Genome position (GRCh38, 1-based): chr14:23,388,162, A>G on the plus strand (T>C on the coding strand, the complement: MYH6 is on the minus strand). VCF-style: chr14-23388162-A-G. GRCh37 (hg19) VCF-style: chr14-23857371-A-G.
Other names: short protein forms F1451S.
Identifiers: ClinVar variation 1739945 (VCV001739945.6), dbSNP rs764920377, ClinGen allele CA7114815.

ClinVar aggregate classification (germline): Uncertain significance. Review status: criteria provided, multiple submitters, no conflicts (2 of 4 stars). 4 submissions from 4 submitters: Uncertain significance (4). Last evaluated 2025-10-27.

Conditions:
Cardiovascular phenotype. Identifiers: MedGen CN230736.
Hypertrophic cardiomyopathy 14. Identifiers: MedGen C2750467, MONDO:0013197, OMIM 613251.

Allele frequency attached by ClinVar (database versions not stated): ExAC 0.00001; TOPMed 0.00001.
gnomAD v4.1: 3 of 1,612,194 alleles (0.00019%); highest among the groups gnomAD compares: African/African-American, 0.0027%; no homozygotes.

Submissions (4):

Labcorp Genetics (formerly Invitae), Labcorp
Classification: Uncertain significance for Hypertrophic cardiomyopathy 14. Last evaluated: 2025-10-27. Review status: criteria provided, single submitter. Criteria: Invitae Variant Classification Sherloc (09022015). Collection method: clinical testing. Allele origin: germline.
Comment: This sequence change replaces phenylalanine, which is neutral and non-polar, with serine, which is neutral and polar, at codon 1451 of the MYH6 protein (p.Phe1451Ser). This variant is present in population databases (rs764920377, gnomAD 0.01%). This variant has not been reported in the literature in individuals affected with MYH6-related conditions. ClinVar contains an entry for this variant (Variation ID: 1739945). Invitae Evidence Modeling of protein sequence and biophysical properties (such as structural, functional, and spatial information, amino acid conservation, physicochemical variation, residue mobility, and thermodynamic stability) indicates that this missense variant is expected to disrupt MYH6 protein function with a positive predictive value of 80%. In summary, the available evidence is currently insufficient to determine the role of this variant in disease. Therefore, it has been classified as a Variant of Uncertain Significance.

Blueprint Genetics
Classification: Uncertain significance. Last evaluated: 2024-02-05. Review status: criteria provided, single submitter. Criteria: ACMG Guidelines, 2015. Collection method: clinical testing. Allele origin: germline.

GeneDx
Classification: Uncertain significance. Last evaluated: 2023-07-18. Review status: criteria provided, single submitter. Criteria: GeneDx Variant Classification Process June 2021. Collection method: clinical testing. Allele origin: germline. Affected: yes.
Comment: Not observed at significant frequency in large population cohorts (gnomAD); In silico analysis supports that this missense variant has a deleterious effect on protein structure/function; Has not been previously published as pathogenic or benign to our knowledge

Ambry Genetics
Classification: Uncertain significance for Cardiovascular phenotype. Last evaluated: 2021-12-29. Review status: criteria provided, single submitter. Criteria: Ambry Variant Classification Scheme 2023. Collection method: clinical testing. Allele origin: germline.
Comment: The p.F1451S variant (also known as c.4352T>C), located in coding exon 28 of the MYH6 gene, results from a T to C substitution at nucleotide position 4352. The phenylalanine at codon 1451 is replaced by serine, an amino acid with highly dissimilar properties. This amino acid position is conserved. In addition, this alteration is predicted to be deleterious by in silico analysis. Since supporting evidence is limited at this time, the clinical significance of this alteration remains unclear.